The following is an entry in ClinVar:

ClinVar aggregate classification (germline): Uncertain significance (1 of 4 stars; one submission).

Conditions:
Anauxetic dysplasia. Identifiers: Orphanet 93347, MedGen C1846796, MONDO:0011773.

gnomAD v4.1: 2 of 700,442 alleles (0.00029%); highest among the groups gnomAD compares: Non-Finnish European, 0.00052%; no homozygotes.

Submission:

Labcorp Genetics (formerly Invitae), Labcorp
Classification: Uncertain significance for Anauxetic dysplasia. Last evaluated: 2023-12-11. Review status: criteria provided, single submitter. Criteria: Invitae Variant Classification Sherloc (09022015). Collection method: clinical testing. Allele origin: germline.
Comment: This variant occurs in the RMRP gene, which encodes an RNA molecule that does not result in a protein product. This variant is not present in population databases (gnomAD no frequency). This variant has not been reported in the literature in individuals affected with RMRP-related conditions. ClinVar contains an entry for this variant (Variation ID: 1927608). Experimental studies and prediction algorithms are not available or were not evaluated, and the functional significance of this variant is currently unknown. In summary, the available evidence is currently insufficient to determine the role of this variant in disease. Therefore, it has been classified as a Variant of Uncertain Significance.

NC_000009.12:g.35657842C>G

Gene: RMRP (RNA component of mitochondrial RNA processing endoribonuclease; minus strand). Cytogenetic location: 9p13.3.
Variant type: single nucleotide variant.
Genome position: GRCh38 VCF-style: chr9-35657842-C-G. GRCh37 (hg19) VCF-style: chr9-35657839-C-G.
Identifiers: ClinVar variation 1927608 (VCV001927608.5), dbSNP rs750141239, ClinGen allele CA464450632.